The following is an entry in ClinVar:

ClinVar aggregate classification (germline): Conflicting classifications of pathogenicity. Review status: criteria provided, conflicting classifications (1 of 4 stars). 3 submissions from 3 submitters: Likely pathogenic (1); Uncertain significance (2). Last evaluated 2026-10-01.

Conditions:
Inborn genetic diseases. Identifiers: MedGen C0950123, MeSH D030342.
Congenital disorder of deglycosylation (CDDG). Identifiers: MedGen C3808991, MONDO:0031376.
Congenital disorder of deglycosylation 1. Also called: NGLY1-Related Congenital Disorder of Deglycosylation; NGLY1-deficiency. Identifiers: Orphanet 404454, MedGen CN306977, MONDO:0800044, OMIM 615273.

Allele frequency attached by ClinVar (database versions not stated): gnomAD exomes below 0.00001; ExAC 0.00001; gnomAD 0.00001; TOPMed 0.00001.
gnomAD v4.1: 3 of 1,613,832 alleles (0.00019%); highest among the groups gnomAD compares: African/African-American, 0.0027%; no homozygotes.

Submissions (3):

Systems Biology Laboratory, Department of Convergent Bioscience and Informatics, Chungnam National University
Classification: Likely pathogenic for Congenital disorder of deglycosylation 1. Last evaluated: 2026-10-01. Review status: criteria provided, single submitter. Criteria: ACMG Guidelines, 2015. Collection method: research. Allele origin: paternal. Inheritance: Autosomal recessive inheritance. Affected: yes. Observed: 1 variant allele, 1 compound heterozygote.
Comment: PM3 (in trans with a pathogenic 16,588-bp deletion of exons 1-2, phase confirmed by trio-binned haplotype-resolved assembly, 2) + PM1 (Cys309 is the catalytic nucleophile of the NGLY1 Cys-His-Asp triad; C309S abolishes activity, PMID:29202016; PMID:40643555, 2) + PP3_Supporting (REVEL 0.729, 1) + PM2_Supporting (gnomAD v4.1 exomes 2/1,461,690; genomes 1/152,142; no homozygotes, 1) + PP4_Supporting (clinical phenotype judged consistent with congenital disorder of deglycosylation by the treating clinical geneticists, 1) = 7 points.

Ambry Genetics
Classification: Uncertain significance for Inborn genetic diseases. Last evaluated: 2025-08-01. Review status: criteria provided, single submitter. Criteria: Ambry Variant Classification Scheme 2023. Collection method: clinical testing. Allele origin: germline.

Labcorp Genetics (formerly Invitae), Labcorp
Classification: Uncertain significance for Congenital disorder of deglycosylation. Last evaluated: 2022-04-07. Review status: criteria provided, single submitter. Criteria: Invitae Variant Classification Sherloc (09022015). Collection method: clinical testing. Allele origin: germline.
Comment: This sequence change replaces cysteine, which is neutral and slightly polar, with arginine, which is basic and polar, at codon 309 of the NGLY1 protein (p.Cys309Arg). This variant is present in population databases (rs775272602, gnomAD 0.008%). This variant has not been reported in the literature in individuals affected with NGLY1-related conditions. Algorithms developed to predict the effect of missense changes on protein structure and function (SIFT, PolyPhen-2, Align-GVGD) all suggest that this variant is likely to be disruptive. In summary, the available evidence is currently insufficient to determine the role of this variant in disease. Therefore, it has been classified as a Variant of Uncertain Significance.

Literature cited by the submitters: PubMed 29202016 (cited by Systems Biology Laboratory, Department of Convergent Bioscience and Informatics, Chungnam National University); PubMed 40643555 (cited by Systems Biology Laboratory, Department of Convergent Bioscience and Informatics, Chungnam National University).

NM_018297.4(NGLY1):c.925T>C (p.Cys309Arg)

Gene: NGLY1 (N-glycanase 1; minus strand). Cytogenetic location: 3p24.2.
Variant type: single nucleotide variant.
Coding change: c.925T>C on transcript NM_018297.4 (MANE Select); coding-DNA position 925, T replaced by C.
Protein change: p.Cys309Arg; replaces cysteine 309 with arginine.
Molecular consequence: missense variant.
Genome position (GRCh38, 1-based): chr3:25,737,412, A>G on the plus strand (T>C on the coding strand, the complement: NGLY1 is on the minus strand). VCF-style: chr3-25737412-A-G. GRCh37 (hg19) VCF-style: chr3-25778903-A-G.
Other names: c.925T>C, p.Cys309Arg (NM_001145293.2, NM_001145295.2); c.799T>C, p.Cys267Arg (NM_001145294.2); c.925T>C (NM_018297.3); short protein forms C267R, C309R.
Identifiers: ClinVar variation 2062495 (VCV002062495.3), dbSNP rs775272602, ClinGen allele CA2289340.